The following is an entry in ClinVar:

NM_006031.6(PCNT):c.4448A>C (p.Glu1483Ala)

Gene: PCNT (pericentrin; plus strand). Cytogenetic location: 21q22.3.
Variant type: single nucleotide variant.
Coding change: c.4448A>C on transcript NM_006031.6 (MANE Select); coding-DNA position 4448, A replaced by C.
Protein change: p.Glu1483Ala; replaces glutamic acid 1483 with alanine.
Molecular consequence: missense variant.
Genome position (GRCh38, 1-based): chr21:46,398,015, A>C. VCF-style: chr21-46398015-A-C. GRCh37 (hg19) VCF-style: chr21-47817929-A-C.
Other names: c.4094A>C, p.Glu1365Ala (NM_001315529.2); short protein forms E1483A, E1365A.
Identifiers: ClinVar variation 2238230 (VCV002238230.3), dbSNP rs770836619, ClinGen allele CA10079649.
Genomic context (GRCh38, chr21:46,398,015, plus strand): 5'-GCTGCAAGGGGCACGCCAGCCCCGTTGGGGTGGTCCCAACACGCTGCCTCTCCTCCCAGG[A>C]GCAGGCAGCCGAGCGGGAGCACGAGCGCGAGGAGTTCCAGCAGGAGATTCAGAGGCTGGA-3'
Protein context (NP_006022.3, residues 1473-1493): HLRNQRQFMD[Glu1483Ala]QAAEREHERE

ClinVar aggregate classification (germline): Uncertain significance. Review status: criteria provided, multiple submitters, no conflicts (2 of 4 stars). 2 submissions from 2 submitters: Uncertain significance (2). Last evaluated 2026-06-11.

Conditions:
PCNT-related disorder. Also called: PCNT-related condition.
Inborn genetic diseases. Identifiers: MedGen C0950123, MeSH D030342.

Allele frequency attached by ClinVar (database versions not stated): TOPMed below 0.00001; gnomAD exomes 0.00001; ExAC 0.00007.
gnomAD v4.1: 3 of 1,580,724 alleles (0.00019%); highest among the groups gnomAD compares: Admixed American, 0.0054%; no homozygotes.

Submissions (2):

PreventionGenetics, part of Exact Sciences
Classification: Uncertain significance for PCNT-related condition. Last evaluated: 2026-06-11. Review status: criteria provided, single submitter. Criteria: ACMG Guidelines, 2015. Collection method: clinical testing. Allele origin: germline.
Comment: The PCNT c.4448A>C variant is predicted to result in the amino acid substitution p.Glu1483Ala. To our knowledge, this variant has not been reported in the literature. This variant is reported in 0.014% of alleles in individuals of Latino descent in gnomAD. At this time, the clinical significance of this variant is uncertain due to the absence of conclusive functional and genetic evidence.

Ambry Genetics
Classification: Uncertain significance for Inborn genetic diseases. Last evaluated: 2021-07-20. Review status: criteria provided, single submitter. Criteria: Ambry Variant Classification Scheme 2023. Collection method: clinical testing. Allele origin: germline.